The following is an entry in ClinVar:

NM_001374736.1(DST):c.2755G>A (p.Ala919Thr)

Gene: DST (dystonin; minus strand). Cytogenetic location: 6p12.1.
Variant type: single nucleotide variant.
Coding change: c.2755G>A on transcript NM_001374736.1 (MANE Select); coding-DNA position 2755, G replaced by A.
Protein change: p.Ala919Thr; replaces alanine 919 with threonine.
Molecular consequence: missense variant.
Genome position (GRCh38, 1-based): chr6:56,639,554, C>T on the plus strand (G>A on the coding strand, the complement: DST is on the minus strand). VCF-style: chr6-56639554-C-T. GRCh37 (hg19) VCF-style: chr6-56504352-C-T.
Other names: c.2656G>A, p.Ala886Thr (NM_001144769.5); c.2242G>A, p.Ala748Thr (NM_001144770.2); c.2755G>A, p.Ala919Thr (NM_001374722.1); c.2122G>A, p.Ala708Thr (NM_001374729.1, NM_001374730.1, NM_001386100.1 and 1 more transcripts); c.2782G>A, p.Ala928Thr (NM_001374734.1); c.1144G>A, p.Ala382Thr (NM_001723.7, NM_015548.5); short protein forms A886T, A748T, A382T, A708T, A919T, A928T.
Identifiers: ClinVar variation 664149 (VCV000664149.6), dbSNP rs756083145, ClinGen allele CA3871329.
Genomic context (GRCh38, chr6:56,639,554, plus strand): 5'-TCCAGTCATAAGCAACTTCCTCCTCTTCTTTTTCATTCAACCAAATAAGTTCATTAGTCG[C>T]ACGACTTACAAAATTATGGAGTGTATCAAGGTGCCGTTCTTGATTCCTGGATGTATTCTT-3'
Protein context (NP_001361665.1, residues 909-929): LDTLHNFVSR[Ala919Thr]TNELIWLNEK

ClinVar aggregate classification (germline): Uncertain significance (1 of 4 stars; one submission).

Conditions:
Epidermolysis bullosa simplex 3, localized or generalized intermediate, with BP230 deficiency (EBS3). Also called: Epidermolysis bullosa simplex due to BP230 deficiency; Epidermolysis bullosa simplex, autosomal recessive 2. Identifiers: Orphanet 412181, MedGen C3809470, MONDO:0014180, OMIM 615425.
Hereditary sensory and autonomic neuropathy type 6. Also called: HSAN VI; Neuropathy, hereditary sensory and autonomic, type VI. Identifiers: Orphanet 314381, MedGen C3539003, MONDO:0013839, OMIM 614653.

Allele frequency attached by ClinVar (database versions not stated): ExAC 0.00002; gnomAD 0.00002; gnomAD exomes 0.00002 and 0.00003; TOPMed 0.00007.
gnomAD v4.1: 51 of 1,613,660 alleles (0.0032%); highest among the groups gnomAD compares: Non-Finnish European, 0.0042%; no homozygotes.

Submission:

Labcorp Genetics (formerly Invitae), Labcorp
Classification: Uncertain significance for Epidermolysis bullosa simplex 3, localized or generalized intermediate, with BP230 deficiency; Hereditary sensory and autonomic neuropathy type 6. Last evaluated: 2021-08-30. Review status: criteria provided, single submitter. Criteria: Invitae Variant Classification Sherloc (09022015). Collection method: clinical testing. Allele origin: germline.
Comment: This sequence change replaces alanine with threonine at codon 382 of the DST protein (p.Ala382Thr). The alanine residue is highly conserved and there is a small physicochemical difference between alanine and threonine. This variant is present in population databases (rs756083145, ExAC 0.009%). This variant has not been reported in the literature in individuals affected with DST-related conditions. Algorithms developed to predict the effect of missense changes on protein structure and function (SIFT, PolyPhen-2, Align-GVGD) all suggest that this variant is likely to be disruptive. In summary, the available evidence is currently insufficient to determine the role of this variant in disease. Therefore, it has been classified as a Variant of Uncertain Significance.